The following is an entry in ClinVar:

NM_005993.5(TBCD):c.60A>T (p.Thr20=)

Gene: TBCD (tubulin folding cofactor D). Cytogenetic location: 17q25.3.
Variant type: single nucleotide variant.
Coding change: c.60A>T on transcript NM_005993.5 (MANE Select); coding-DNA position 60, A replaced by T.
Protein change: p.Thr20=; no amino-acid change (threonine 20 retained).
Molecular consequence: synonymous variant.
Genome position (GRCh38, 1-based): chr17:82,752,253, A>T. VCF-style: chr17-82752253-A-T. GRCh37 (hg19) VCF-style: chr17-80710129-A-T.
Other names: c.60A>T, p.Thr20= (NM_001411101.1, NM_001411102.1).
Identifiers: ClinVar variation 2852707 (VCV002852707.4), dbSNP rs1343772602, ClinGen allele CA502585906.
Genomic context (GRCh38, chr17:82,752,253, plus strand): 5'-GATGGCCCTGAGCGACGAACCGGCCGCGGGCGGCCCCGAGGAGGAGGCGGAGGACGAGAC[A>T]CTGGCCTTTGGCGCGGCGCTGGAAGCGTTCGGCGAGAGCGCGGAGACCCGGGCGCTGCTG-3'
Protein context (NP_005984.3, residues 10-30): GGPEEEAEDE[Thr20=]LAFGAALEAF

ClinVar aggregate classification (germline): Likely benign. Review status: criteria provided, multiple submitters, no conflicts (2 of 4 stars). 2 submissions from 2 submitters: Likely benign (2). Last evaluated 2026-08-01.

Submissions (2):

CeGaT Center for Human Genetics Tuebingen
Classification: Likely benign. Last evaluated: 2026-08-01. Review status: criteria provided, single submitter. Criteria: CeGaT Center For Human Genetics Tuebingen Variant Classification Criteria Version 2. Collection method: clinical testing. Allele origin: germline. Affected: yes. Observed: 1 variant allele.
Comment: TBCD: PM2:Supporting, BP4, BP7

Labcorp Genetics (formerly Invitae), Labcorp
Classification: Likely benign. Last evaluated: 2024-01-01. Review status: criteria provided, single submitter. Criteria: Invitae Variant Classification Sherloc (09022015). Collection method: clinical testing. Allele origin: germline.